The following is an entry in ClinVar:

ClinVar aggregate classification (germline): Uncertain significance (1 of 4 stars; one submission).

Submission:

Women's Health and Genetics/Laboratory Corporation of America, LabCorp
Classification: Uncertain significance. Last evaluated: 2024-12-12. Review status: criteria provided, single submitter. Criteria: LabCorp Variant Classification Summary - May 2015. Collection method: clinical testing. Allele origin: germline.
Comment: Variant summary: PPP2R1A c.924G>C (p.Glu308Asp) results in a conservative amino acid change in the encoded protein sequence. Four of five in-silico tools predict a benign effect of the variant on protein function. Consensus agreement among computation tools predict no significant impact on normal splicing. However, these predictions have yet to be confirmed by functional studies. The variant was absent in 251468 control chromosomes. The available data on variant occurrences in the general population are insufficient to allow any conclusion about variant significance. To our knowledge, no occurrence of c.924G>C in individuals affected with Mental Retardation, Autosomal Dominant 36 and no experimental evidence demonstrating its impact on protein function have been reported. No submitters have cited clinical-significance assessments for this variant to ClinVar. Based on the evidence outlined above, the variant was classified as uncertain significance.

NM_014225.6(PPP2R1A):c.924G>C (p.Glu308Asp)

Gene: PPP2R1A (protein phosphatase 2 scaffold subunit Aalpha; plus strand). Cytogenetic location: 19q13.41.
Variant type: single nucleotide variant.
Coding change: c.924G>C on transcript NM_014225.6 (MANE Select); coding-DNA position 924, G replaced by C.
Protein change: p.Glu308Asp; replaces glutamic acid 308 with aspartic acid.
Molecular consequence: missense variant. On other transcripts: non-coding transcript variant (1).
Genome position (GRCh38, 1-based): chr19:52,216,005, G>C. VCF-style: chr19-52216005-G-C. GRCh37 (hg19) VCF-style: chr19-52719258-G-C.
Other names: c.387G>C, p.Glu129Asp (NM_001363656.2); short protein forms E129D, E308D.
Identifiers: ClinVar variation 3768073 (VCV003768073.1).